The following is an entry in ClinVar:

ClinVar aggregate classification (germline): Likely benign (1 of 4 stars; one submission).

Allele frequency attached by ClinVar (database versions not stated): gnomAD exomes below 0.00001; gnomAD 0.00001; TOPMed 0.00001; ExAC 0.00001.
gnomAD v4.1: 3 of 1,613,180 alleles (0.00019%); highest among the groups gnomAD compares: Non-Finnish European, 0.00025%; no homozygotes.

Submission:

GeneDx
Classification: Likely benign. Last evaluated: 2017-02-10. Review status: criteria provided, single submitter. Criteria: GeneDx Variant Classification (06012015). Collection method: clinical testing. Allele origin: germline. Affected: yes.
Comment: This variant is considered likely benign or benign based on one or more of the following criteria: it is a conservative change, it occurs at a poorly conserved position in the protein, it is predicted to be benign by multiple in silico algorithms, and/or has population frequency not consistent with disease.

NM_001999.4(FBN2):c.5424C>T (p.Asp1808=)

Gene: FBN2 (fibrillin 2; minus strand). Cytogenetic location: 5q23.3.
Variant type: single nucleotide variant.
Coding change: c.5424C>T on transcript NM_001999.4 (MANE Select); coding-DNA position 5424, C replaced by T.
Protein change: p.Asp1808=; no amino-acid change (aspartic acid 1808 retained).
Molecular consequence: synonymous variant.
Genome position (GRCh38, 1-based): chr5:128,305,947, G>A on the plus strand (C>T on the coding strand, the complement: FBN2 is on the minus strand). VCF-style: chr5-128305947-G-A. GRCh37 (hg19) VCF-style: chr5-127641639-G-A.
Identifiers: ClinVar variation 507386 (VCV000507386.1), dbSNP rs774758393, ClinGen allele CA3394696.